The following is an entry in ClinVar:

NM_001379659.1(ZNF142):c.3576C>A (p.Pro1192=)

Gene: ZNF142 (zinc finger protein 142; minus strand). Cytogenetic location: 2q35.
Variant type: single nucleotide variant.
Coding change: c.3576C>A on transcript NM_001379659.1 (MANE Select); coding-DNA position 3576, C replaced by A.
Protein change: p.Pro1192=; no amino-acid change (proline 1192 retained).
Molecular consequence: synonymous variant.
Genome position (GRCh38, 1-based): chr2:218,643,540, G>T on the plus strand (C>A on the coding strand, the complement: ZNF142 is on the minus strand). VCF-style: chr2-218643540-G-T. GRCh37 (hg19) VCF-style: chr2-219508263-G-T.
Other names: c.2976C>A, p.Pro992= (NM_001105537.5, NM_001366291.3, NM_001379662.1); c.2487C>A, p.Pro829= (NM_001366287.3, NM_001366288.3, NM_001366289.3); c.3576C>A, p.Pro1192= (NM_001366290.3, NM_001379660.1, NM_001379661.1).
Identifiers: ClinVar variation 1290612 (VCV001290612.5), dbSNP rs3770212, ClinGen allele CA2108972.

ClinVar aggregate classification (germline): Benign. Review status: criteria provided, multiple submitters, no conflicts (2 of 4 stars). 3 submissions from 3 submitters: Benign (2). 1 of the submissions does not count toward it. Last evaluated 2021-05-05.

Conditions:
ZNF142-related disorder. Also called: ZNF142-related condition.

Allele frequency attached by ClinVar (database versions not stated): ExAC 0.04660; 1000 Genomes Project 30x 0.07542; ESP Exome Variant Server 0.05312; gnomAD 0.05655 and 0.05627; 1000 Genomes Project 0.07668; gnomAD exomes 0.04341; TOPMed 0.05883.

Submissions (3):

GeneDx
Classification: Benign. Last evaluated: 2021-05-05. Review status: criteria provided, single submitter. Criteria: GeneDx Variant Classification Process June 2021. Collection method: clinical testing. Allele origin: germline. Affected: yes.

Breakthrough Genomics
Classification: Benign. Review status: criteria provided, single submitter. Criteria: ACMG Guidelines, 2015. Collection method: not provided. Allele origin: germline. Inheritance: Autosomal recessive inheritance. Affected: yes.

PreventionGenetics, part of Exact Sciences
Classification: Benign for ZNF142-related condition. Last evaluated: 2024-03-14. Review status: no assertion criteria provided. Collection method: clinical testing. Allele origin: germline. Not counted in ClinVar's aggregate classification.
Comment: This variant is classified as benign based on ACMG/AMP sequence variant interpretation guidelines (Richards et al. 2015 PMID: 25741868, with internal and published modifications).